The following is an entry in ClinVar:

ClinVar aggregate classification (germline): Benign (1 of 4 stars; one submission).

Conditions:
Melanoma-pancreatic cancer syndrome. Identifiers: Orphanet 404560, MedGen C1838547, MONDO:0011713, OMIM 606719. Disease mechanism: loss of function.

Submission:

Myriad Genetics, Inc.
Classification: Benign for Melanoma-pancreatic cancer syndrome. Last evaluated: 2025-08-15. Review status: criteria provided, single submitter. Criteria: Myriad Autosomal Dominant, Autosomal Recessive and X-Linked Classification Criteria (2023). Collection method: clinical testing. Allele origin: unknown.
Comment: This variant is considered benign. This variant is intronic and is not expected to impact mRNA splicing.

NM_000077.5(CDKN2A):c.458-108T>A

Gene: CDKN2A (cyclin dependent kinase inhibitor 2A; minus strand). Cytogenetic location: 9p21.3.
Variant type: single nucleotide variant.
Coding change: c.458-108T>A on transcript NM_000077.5 (MANE Select); 108 bases into the intron before coding-DNA position 458, T replaced by A.
Molecular consequence: intron variant.
Genome position (GRCh38, 1-based): chr9:21,968,350, A>T on the plus strand (T>A on the coding strand, the complement: CDKN2A is on the minus strand). VCF-style: chr9-21968350-A-T. GRCh37 (hg19) VCF-style: chr9-21968349-A-T.
Other names: c.305-108T>A (NM_001363763.2); c.*102-108T>A (NM_058195.4); c.*151-108T>A (NM_001195132.2); c.*381-108T>A (NM_058197.5).
Identifiers: ClinVar variation 4294249 (VCV004294249.1).